The following is an entry in ClinVar:

NM_152564.5(VPS13B):c.11167G>C (p.Gly3723Arg)

Gene: VPS13B (vacuolar protein sorting 13 homolog B; plus strand). Cytogenetic location: 8q22.2.
Variant type: single nucleotide variant.
Coding change: c.11167G>C on transcript NM_152564.5 (MANE Select); coding-DNA position 11167, G replaced by C.
Protein change: p.Gly3723Arg; replaces glycine 3723 with arginine.
Molecular consequence: missense variant.
Genome position (GRCh38, 1-based): chr8:99,861,898, G>C. VCF-style: chr8-99861898-G-C. GRCh37 (hg19) VCF-style: chr8-100874126-G-C.
Other names: c.11242G>C (NM_017890.3); c.11242G>C, p.Gly3748Arg (NM_017890.5); short protein forms G3723R, G3748R.
Identifiers: ClinVar variation 1016748 (VCV001016748.9), dbSNP rs1816856108, ClinGen allele CA371790672.

ClinVar aggregate classification (germline): Uncertain significance. Review status: criteria provided, multiple submitters, no conflicts (2 of 4 stars). 3 submissions from 3 submitters: Uncertain significance (2). 1 of the submissions does not count toward it. Last evaluated 2023-01-09.

Conditions:
Cohen syndrome (COH1). Also called: PEPPER SYNDROME; Cutis verticis gyrata, retinitis pigmentosa, and sensorineural deafness. Identifiers: Orphanet 193, MedGen C0265223, MONDO:0008999, OMIM 216550.

Submissions (3):

GeneDx
Classification: Uncertain significance. Last evaluated: 2023-01-09. Review status: criteria provided, single submitter. Criteria: GeneDx Variant Classification Process June 2021. Collection method: clinical testing. Allele origin: germline. Affected: yes.
Comment: Not observed at significant frequency in large population cohorts (gnomAD); In silico analysis supports that this missense variant has a deleterious effect on protein structure/function; Has not been previously published as pathogenic or benign to our knowledge

Labcorp Genetics (formerly Invitae), Labcorp
Classification: Uncertain significance for Cohen syndrome. Last evaluated: 2022-05-25. Review status: criteria provided, single submitter. Criteria: Invitae Variant Classification Sherloc (09022015). Collection method: clinical testing. Allele origin: germline.
Comment: This sequence change replaces glycine, which is neutral and non-polar, with arginine, which is basic and polar, at codon 3748 of the VPS13B protein (p.Gly3748Arg). This variant is not present in population databases (gnomAD no frequency). This variant has not been reported in the literature in individuals affected with VPS13B-related conditions. ClinVar contains an entry for this variant (Variation ID: 1016748). Algorithms developed to predict the effect of missense changes on protein structure and function are either unavailable or do not agree on the potential impact of this missense change (SIFT: "Not Available"; PolyPhen-2: "Probably Damaging"; Align-GVGD: "Not Available"). In summary, the available evidence is currently insufficient to determine the role of this variant in disease. Therefore, it has been classified as a Variant of Uncertain Significance.

Natera, Inc.
Classification: Uncertain significance for Cohen syndrome. Last evaluated: 2021-09-13. Review status: no assertion criteria provided. Collection method: clinical testing. Allele origin: germline. Not counted in ClinVar's aggregate classification.